The following is an entry in ClinVar:

ClinVar aggregate classification (germline): Conflicting classifications of pathogenicity. Review status: criteria provided, conflicting classifications (1 of 4 stars). 3 submissions from 3 submitters: Uncertain significance (2); Likely benign (1). Last evaluated 2025-07-14.

Conditions:
Intellectual disability. Also called: Intellectual functioning disability; intellectual disabilities; Intellectual developmental disorder. Identifiers: MedGen C3714756, MeSH D008607, MONDO:0001071, HP:0001249.
Inborn genetic diseases. Identifiers: MedGen C0950123, MeSH D030342.

gnomAD v4.1: 12 of 1,599,344 alleles (0.00075%); highest among the groups gnomAD compares: Non-Finnish European, 0.00085%; no homozygotes.

Submissions (3):

Ambry Genetics
Classification: Uncertain significance for Inborn genetic diseases. Last evaluated: 2025-07-14. Review status: criteria provided, single submitter. Criteria: Ambry Variant Classification Scheme 2023. Collection method: clinical testing. Allele origin: germline.

Labcorp Genetics (formerly Invitae), Labcorp
Classification: Uncertain significance. Last evaluated: 2022-07-06. Review status: criteria provided, single submitter. Criteria: Invitae Variant Classification Sherloc (09022015). Collection method: clinical testing. Allele origin: germline.
Comment: This sequence change replaces serine, which is neutral and polar, with arginine, which is basic and polar, at codon 242 of the CHD8 protein (p.Ser242Arg). This variant is present in population databases (no rsID available, gnomAD 0.006%). This variant has not been reported in the literature in individuals affected with CHD8-related conditions. Algorithms developed to predict the effect of missense changes on protein structure and function (SIFT, PolyPhen-2, Align-GVGD) all suggest that this variant is likely to be tolerated. In summary, the available evidence is currently insufficient to determine the role of this variant in disease. Therefore, it has been classified as a Variant of Uncertain Significance.

Cambridge Genomics Laboratory, East Genomic Laboratory Hub, NHS Genomic Medicine Service
Classification: Likely benign for Intellectual disability. Last evaluated: 2019-11-21. Review status: criteria provided, single submitter. Criteria: ACGS Best Practice Guidelines for Variant Classification in Rare Disease 2020. Collection method: clinical testing. Allele origin: germline. Affected: yes. Observed: 1 variant allele.

NM_001170629.2(CHD8):c.726C>A (p.Ser242Arg)

Gene: CHD8 (chromodomain helicase DNA binding protein 8; minus strand). Cytogenetic location: 14q11.2.
Variant type: single nucleotide variant.
Coding change: c.726C>A on transcript NM_001170629.2 (MANE Select); coding-DNA position 726, C replaced by A.
Protein change: p.Ser242Arg; replaces serine 242 with arginine.
Molecular consequence: missense variant. On other transcripts: intron variant (1).
Genome position (GRCh38, 1-based): chr14:21,430,918, G>T on the plus strand (C>A on the coding strand, the complement: CHD8 is on the minus strand). VCF-style: chr14-21430918-G-T. GRCh37 (hg19) VCF-style: chr14-21899077-G-T.
Other names: c.6+893C>A (NM_020920.4); c.726C>A (NM_001170629.1); short protein forms S242R.
Identifiers: ClinVar variation 1943720 (VCV001943720.7), dbSNP rs906914158, ClinGen allele CA257558152.